The following is an entry in ClinVar:

NM_014336.5(AIPL1):c.341C>T (p.Thr114Ile)

Gene: AIPL1 (AIP like 1 HSP90 co-chaperone; minus strand). Cytogenetic location: 17p13.2.
Variant type: single nucleotide variant.
Coding change: c.341C>T on transcript NM_014336.5 (MANE Select); coding-DNA position 341, C replaced by T.
Protein change: p.Thr114Ile; replaces threonine 114 with isoleucine.
Molecular consequence: missense variant. On other transcripts: intron variant (1).
Genome position (GRCh38, 1-based): chr17:6,428,442, G>A on the plus strand (C>T on the coding strand, the complement: AIPL1 is on the minus strand). VCF-style: chr17-6428442-G-A. GRCh37 (hg19) VCF-style: chr17-6331762-G-A.
Other names: NM_014336.5(AIPL1):c.341C>T; p.Thr114Ile; c.161C>T, p.Thr54Ile (NM_001033055.3); c.305C>T, p.Thr102Ile (NM_001285399.3); c.275C>T, p.Thr92Ile (NM_001285400.3); c.341C>T, p.Thr114Ile (NM_001285401.3, NM_001285403.4); c.224C>T, p.Thr75Ile (NM_001285402.2); c.277-1385C>T (NM_001033054.3); short protein forms T114I, T54I, T75I, T102I, T92I.
Identifiers: ClinVar variation 99801 (VCV000099801.26), dbSNP rs8069375, ClinGen allele CA227880.

ClinVar aggregate classification (germline): Benign. Review status: reviewed by expert panel (3 of 4 stars). 11 submissions from 10 submitters: Benign (1). 10 of the submissions do not count toward it. Last evaluated 2025-09-29.

Conditions:
AIPL1-related retinopathy. Also called: AIPL1 retinopathy. Identifiers: MedGen CN305590, MONDO:0100438.
Leber congenital amaurosis 4 (LCA4). Identifiers: MedGen C1858386, MONDO:0011458, OMIM 604393.
Retinitis pigmentosa (RP). Identifiers: Orphanet 791, MedGen C0035334, MeSH D012174, MONDO:0019200, OMIM 268000. Inheritance: Autosomal dominant, autosomal recessive and X linked inheritance.
Retinal dystrophy. Also called: Inherited retinal dystrophy. Identifiers: Orphanet 71862, MedGen C0854723, MeSH D058499, MONDO:0019118, HP:0000556.

Allele frequency attached by ClinVar (database versions not stated): gnomAD exomes 0.00412; ExAC 0.00513; 1000 Genomes Project 0.01338; 1000 Genomes Project 30x 0.01359; gnomAD 0.01645 and 0.01781; TOPMed 0.01860; ESP Exome Variant Server 0.01930.
gnomAD v4.1: 4,941 of 1,613,962 alleles (0.31%); highest among the groups gnomAD compares: African/African-American, 5.8%; 127 homozygotes.

Submissions (11):

ClinGen Leber Congenital Amaurosis/early Onset Retinal Dystrophy Variant Curation Expert Panel, ClinGen
Classification: Benign for AIPL1-related retinopathy. Last evaluated: 2025-09-29. Review status: reviewed by expert panel. Criteria: ClinGen LCAeoRD ACMG Specifications AIPL1 V1.0.0. Collection method: curation. Allele origin: germline. Inheritance: Autosomal recessive inheritance.
Comment: NM_014336.5(AIPL1):c.341C>T (p.Thr114Ile) is a missense variant in exon 3 of 6 that is predicted to replace threonine with isoleucine at amino acid p.114. This variant is present in gnomAD v.4.1.0 at a GrpMax allele frequency of 0.05653, with 4,351 alleles / 75,064 total alleles in the African/African American population, which is higher than the ClinGen LCA/eoRD VCEP BA1 threshold of >0.0057 (BA1). This variant has been found in the homozygous state in 127 adult individuals in gnomAD which exceeds the LCA/eoRD VCEP threshold of ≥6 (gnomAD version 4.1.0; BS2). The computational predictor REVEL gives a score of 0.469, which is below the ClinGen LCA/eoRD VCEP threshold of ≥0.644 for PP3 and above the threshold of <0.290 for BP4. Additionally, the splicing impact predictor SpliceAI gives a score of 0.01, which predicts a low or indeterminate impact on splicing. Neither PP3 nor BP4 is met. The variant exhibited >90% enzymatic activity in a cGMP hydrolysis assay relative to the wild-type control, as well as cytoplasmic and nuclear localization similar to the wild-type (PMID: 27268253), however, these assays are not approved to meet BS3_Supporting. In summary, this variant meets the criteria to be classified as Benign for AIPL1-related retinopathy based on the ACMG/AMP criteria applied, as specified by the ClinGen LCA/eoRD VCEP: BA1 and BS2. (VCEP specifications version 1.0.0; date of approval 09/24/2025).

Labcorp Genetics (formerly Invitae), Labcorp
Classification: Benign for Leber congenital amaurosis 4. Last evaluated: 2026-02-02. Review status: criteria provided, single submitter. Criteria: Invitae Variant Classification Sherloc (09022015). Collection method: clinical testing. Allele origin: germline. Not counted in ClinVar's aggregate classification.

Fulgent Genetics
Classification: Benign for Retinitis pigmentosa; Leber congenital amaurosis 4. Last evaluated: 2022-05-05. Review status: criteria provided, single submitter. Criteria: ACMG Guidelines, 2015. Collection method: clinical testing. Allele origin: unknown. Not counted in ClinVar's aggregate classification.

Women's Health and Genetics/Laboratory Corporation of America, LabCorp
Classification: Likely benign. Last evaluated: 2022-02-18. Review status: criteria provided, single submitter. Criteria: LabCorp Variant Classification Summary - May 2015. Collection method: clinical testing. Allele origin: germline. Not counted in ClinVar's aggregate classification.

GeneDx
Classification: Benign. Last evaluated: 2019-10-13. Review status: criteria provided, single submitter. Criteria: GeneDx Variant Classification Process June 2021. Collection method: clinical testing. Allele origin: germline. Affected: yes. Not counted in ClinVar's aggregate classification.
Comment: This variant is associated with the following publications: (PMID: 10873396, 33067476, 27884173, 20981092)

Illumina Laboratory Services, Illumina
Classification: Likely benign for Leber congenital amaurosis 4. Last evaluated: 2017-04-27. Review status: criteria provided, single submitter. Criteria: ICSL Variant Classification Criteria 13 December 2019. Collection method: clinical testing. Allele origin: germline. Not counted in ClinVar's aggregate classification.
Comment: This variant was observed as part of a predisposition screen in an ostensibly healthy population. A literature search was performed for the gene, cDNA change, and amino acid change (where applicable). Publications were found based on this search. The evidence from the literature, in combination with allele frequency data from public databases where available, was sufficient to determine this variant is unlikely to cause disease. Therefore, this variant is classified as likely benign.

Illumina Laboratory Services, Illumina
Classification: Likely benign for Retinitis pigmentosa. Last evaluated: 2017-04-27. Review status: criteria provided, single submitter. Criteria: ICSL Variant Classification Criteria 13 December 2019. Collection method: clinical testing. Allele origin: germline. Not counted in ClinVar's aggregate classification.
Comment: This variant was observed as part of a predisposition screen in an ostensibly healthy population. A literature search was performed for the gene, cDNA change, and amino acid change (where applicable). No publications were found based on this search. Allele frequency data from public databases allowed determination this variant is unlikely to cause disease. Therefore, this variant is classified as likely benign.

Eurofins Ntd Llc (ga)
Classification: Benign. Last evaluated: 2015-07-28. Review status: criteria provided, single submitter. Criteria: EGL Classification Definitions 2015. Collection method: clinical testing. Allele origin: germline. Observed: 1 variant allele, 1 heterozygote. Not counted in ClinVar's aggregate classification.

Institute of Human Genetics, Univ. Regensburg, Univ. Regensburg
Classification: Likely benign for Retinal dystrophy. Last evaluated: 2013-01-01. Review status: criteria provided, single submitter. Criteria: ACMG Guidelines, 2015. Collection method: clinical testing. Allele origin: germline. Affected: yes. Not counted in ClinVar's aggregate classification.

Breakthrough Genomics
Classification: Likely benign. Review status: criteria provided, single submitter. Criteria: ACMG Guidelines, 2015. Collection method: not provided. Allele origin: germline. Inheritance: Autosomal recessive inheritance. Affected: yes. Not counted in ClinVar's aggregate classification.

Retina International
No classification provided. Review status: no classification provided. Collection method: not provided. Allele origin: unknown. Not counted in ClinVar's aggregate classification.

Literature cited by the submitters: PubMed 22412862 (cited by Illumina Laboratory Services, Illumina); PubMed 20683928 (cited by Illumina Laboratory Services, Illumina and Eurofins Ntd Llc (ga)); PubMed 10873396 (cited by 3 submitters); PubMed 15469903 (cited by Illumina Laboratory Services, Illumina and Eurofins Ntd Llc (ga)); PubMed 15249368 (cited by Eurofins Ntd Llc (ga)); PubMed 23737531 (cited by Eurofins Ntd Llc (ga)); PubMed 20981092 (cited by Institute of Human Genetics, Univ. Regensburg, Univ. Regensburg); PubMed 27884173 (cited by Institute of Human Genetics, Univ. Regensburg, Univ. Regensburg); PubMed 31429209 (cited by Institute of Human Genetics, Univ. Regensburg, Univ. Regensburg); PubMed 33067476 (cited by Institute of Human Genetics, Univ. Regensburg, Univ. Regensburg).